The following is an entry in ClinVar:

ClinVar aggregate classification (germline): Uncertain significance (1 of 4 stars; one submission).

Allele frequency attached by ClinVar (database versions not stated): gnomAD exomes below 0.00001; TOPMed 0.00002.
gnomAD v4.1: 1 of 1,198,004 alleles (0.000083%); highest among the groups gnomAD compares: South Asian, 0.0018%; no homozygotes.

Submission:

GeneDx
Classification: Uncertain significance. Last evaluated: 2022-01-14. Review status: criteria provided, single submitter. Criteria: GeneDx Variant Classification Process June 2021. Collection method: clinical testing. Allele origin: germline. Affected: yes.
Comment: Not observed at significant frequency in large population cohorts (gnomAD); In silico analysis supports that this missense variant does not alter protein structure/function; Has not been previously published as pathogenic or benign to our knowledge

NM_014927.5(CNKSR2):c.278A>G (p.Asn93Ser)

Gene: CNKSR2 (connector enhancer of kinase suppressor of Ras 2; plus strand). Cytogenetic location: Xp22.12.
Variant type: single nucleotide variant.
Coding change: c.278A>G on transcript NM_014927.5 (MANE Select); coding-DNA position 278, A replaced by G.
Protein change: p.Asn93Ser; replaces asparagine 93 with serine.
Molecular consequence: missense variant.
Genome position (GRCh38, 1-based): chrX:21,432,661, A>G. VCF-style: chrX-21432661-A-G. GRCh37 (hg19) VCF-style: chrX-21450779-A-G.
Other names: c.278A>G, p.Asn93Ser (NM_001168647.3, NM_001168648.3, NM_001168649.3 and 4 more transcripts); short protein forms N93S.
Identifiers: ClinVar variation 1697196 (VCV001697196.2), dbSNP rs1167304415, ClinGen allele CA412552113.